The following is an entry in ClinVar:

NM_015107.3(PHF8):c.2399A>G (p.Asp800Gly)

Gene: PHF8 (PHD finger protein 8; minus strand). Cytogenetic location: Xp11.22.
Variant type: single nucleotide variant.
Coding change: c.2399A>G on transcript NM_015107.3 (MANE Select); coding-DNA position 2399, A replaced by G.
Protein change: p.Asp800Gly; replaces aspartic acid 800 with glycine.
Molecular consequence: missense variant.
Genome position (GRCh38, 1-based): chrX:53,984,958, T>C on the plus strand (A>G on the coding strand, the complement: PHF8 is on the minus strand). VCF-style: chrX-53984958-T-C. GRCh37 (hg19) VCF-style: chrX-54011391-T-C.
Other names: c.2507A>G, p.Asp836Gly (NM_001184896.1); c.2096A>G, p.Asp699Gly (NM_001184897.2); c.2348A>G, p.Asp783Gly (NM_001184898.2); short protein forms D699G, D783G, D800G, D836G.
Identifiers: ClinVar variation 4056714 (VCV004056714.1).

ClinVar aggregate classification (germline): Uncertain significance (1 of 4 stars; one submission).

Conditions:
Intellectual developmental disorder, X-linked, syndromic, Siderius type. Also called: Syndromic X-linked intellectual disability Siderius type. Identifiers: Orphanet 85287, MedGen C1846055, MONDO:0010286, OMIM 300263.

Submission:

Laboratorio de Genetica e Diagnostico Molecular, Hospital Israelita Albert Einstein
Classification: Uncertain significance for Intellectual developmental disorder, X-linked, syndromic, Siderius type. Last evaluated: 2024-02-09. Review status: criteria provided, single submitter. Criteria: ACMG Guidelines, 2015. Collection method: clinical testing. Allele origin: germline. Affected: yes.
Comment: ACMG classification criteria: PM2 supporting, PP2 supporting, BP4 supporting